The following is an entry in ClinVar:

NM_201384.3(PLEC):c.4728G>A (p.Ala1576=)

Gene: PLEC (plectin; minus strand). Cytogenetic location: 8q24.3.
Variant type: single nucleotide variant.
Coding change: c.4728G>A on transcript NM_201384.3 (MANE Select); coding-DNA position 4728, G replaced by A.
Protein change: p.Ala1576=; no amino-acid change (alanine 1576 retained).
Molecular consequence: synonymous variant.
Genome position (GRCh38, 1-based): chr8:143,925,201, C>T on the plus strand (G>A on the coding strand, the complement: PLEC is on the minus strand). VCF-style: chr8-143925201-C-T. GRCh37 (hg19) VCF-style: chr8-144999369-C-T.
Other names: c.4809G>A, p.Ala1603= (NM_000445.5); c.4686G>A, p.Ala1562= (NM_201378.4); c.4662G>A, p.Ala1554= (NM_201379.3); c.5139G>A, p.Ala1713= (NM_201380.4); c.4632G>A, p.Ala1544= (NM_201381.3); c.4728G>A, p.Ala1576= (NM_201382.4); c.4740G>A, p.Ala1580= (NM_201383.3).
Identifiers: ClinVar variation 286724 (VCV000286724.16), dbSNP rs545266312, ClinGen allele CA4926555.

ClinVar aggregate classification (germline): Conflicting classifications of pathogenicity. Review status: criteria provided, conflicting classifications (1 of 4 stars). 4 submissions from 4 submitters: Uncertain significance (1); Likely benign (3). Last evaluated 2026-08-01.

Conditions:
Autosomal recessive limb-girdle muscular dystrophy type 2Q (LGMDR17). Also called: MUSCULAR DYSTROPHY, LIMB-GIRDLE, AUTOSOMAL RECESSIVE 17. Identifiers: Orphanet 254361, MedGen C3150989, MONDO:0013390, OMIM 613723.
Epidermolysis bullosa simplex, Ogna type (EBS5A). Also called: Pidermolysis bullosa simplex 5A, Ogna type; EPIDERMOLYSIS BULLOSA SIMPLEX 5A, OGNA TYPE. Identifiers: Orphanet 79401, MedGen C0432317, MONDO:0007555, OMIM 131950.
Epidermolysis bullosa simplex 5B, with muscular dystrophy (EBS5B). Also called: Epidermolysis bullosa simplex with muscular dystrophy; EPIDERMOLYSIS BULLOSA SIMPLEX AND LIMB-GIRDLE MUSCULAR DYSTROPHY. Identifiers: Orphanet 257, MedGen C2931072, MONDO:0009181, OMIM 226670.
Epidermolysis bullosa simplex with nail dystrophy (EBS5D). Identifiers: MedGen C4225309, MONDO:0014661, OMIM 616487.
Epidermolysis bullosa simplex 5C, with pyloric atresia (EBS5C). Also called: PLEC1-Related Epidermolysis Bullosa with Pyloric Atresia; PLEC-Related Epidermolysis Bullosa with Pyloric Atresia; Epidermolysis bullosa simplex with pyloric atresia. Identifiers: Orphanet 158684, MedGen C2677349, MONDO:0012807, OMIM 612138.

Allele frequency attached by ClinVar (database versions not stated): gnomAD 0.00004 and 0.00005; gnomAD exomes 0.00005 and 0.00013; TOPMed 0.00009; 1000 Genomes Project 30x 0.00016; ExAC 0.00016; 1000 Genomes Project 0.00020.
gnomAD v4.1: 77 of 1,586,444 alleles (0.0049%); highest among the groups gnomAD compares: Admixed American, 0.047%; no homozygotes.

Submissions (4):

CeGaT Center for Human Genetics Tuebingen
Classification: Likely benign. Last evaluated: 2026-08-01. Review status: criteria provided, single submitter. Criteria: CeGaT Center For Human Genetics Tuebingen Variant Classification Criteria Version 2. Collection method: clinical testing. Allele origin: germline. Affected: yes. Observed: 1 variant allele.
Comment: PLEC: BP4, BP7

Labcorp Genetics (formerly Invitae), Labcorp
Classification: Likely benign for Autosomal recessive limb-girdle muscular dystrophy type 2Q; Epidermolysis bullosa simplex, Ogna type; Epidermolysis bullosa simplex with nail dystrophy; Epidermolysis bullosa simplex 5C, with pyloric atresia; Epidermolysis bullosa simplex 5B, with muscular dystrophy. Last evaluated: 2026-01-19. Review status: criteria provided, single submitter. Criteria: Invitae Variant Classification Sherloc (09022015). Collection method: clinical testing. Allele origin: germline.

Blueprint Genetics
Classification: Likely benign. Last evaluated: 2024-02-21. Review status: criteria provided, single submitter. Criteria: ACMG Guidelines, 2015. Collection method: clinical testing. Allele origin: germline.

Eurofins Ntd Llc (ga)
Classification: Uncertain significance. Last evaluated: 2016-03-16. Review status: criteria provided, single submitter. Criteria: EGL Classification Definitions 2015. Collection method: clinical testing. Allele origin: germline. Observed: 2 variant alleles, 2 heterozygotes.